The following is an entry in ClinVar:

ClinVar aggregate classification (germline): Uncertain significance (1 of 4 stars; one submission).

Allele frequency attached by ClinVar (database versions not stated): gnomAD exomes below 0.00001.
gnomAD v4.1: 1 of 1,612,984 alleles (0.000062%); highest among the groups gnomAD compares: Non-Finnish European, 0.000085%; no homozygotes.

Submission:

Ambry Genetics
Classification: Uncertain significance. Last evaluated: 2022-02-07. Review status: criteria provided, single submitter. Criteria: Ambry Variant Classification Scheme 2023. Collection method: clinical testing. Allele origin: germline.
Comment: The p.G1909R variant (also known as c.5725G>A), located in coding exon 17 of the POLQ gene, results from a G to A substitution at nucleotide position 5725. The glycine at codon 1909 is replaced by arginine, an amino acid with dissimilar properties. This amino acid position is conserved. In addition, this alteration is predicted to be tolerated by in silico analysis. Since supporting evidence is limited at this time, the clinical significance of this alteration remains unclear.

NM_199420.4(POLQ):c.5725G>A (p.Gly1909Arg)

Gene: POLQ (DNA polymerase theta; minus strand). Cytogenetic location: 3q13.33.
Variant type: single nucleotide variant.
Coding change: c.5725G>A on transcript NM_199420.4 (MANE Select); coding-DNA position 5725, G replaced by A.
Protein change: p.Gly1909Arg; replaces glycine 1909 with arginine.
Molecular consequence: missense variant.
Genome position (GRCh38, 1-based): chr3:121,485,089, C>T on the plus strand (G>A on the coding strand, the complement: POLQ is on the minus strand). VCF-style: chr3-121485089-C-T. GRCh37 (hg19) VCF-style: chr3-121203936-C-T.
Other names: short protein forms G1909R.
Identifiers: ClinVar variation 1749299 (VCV001749299.2), dbSNP rs2546782906, ClinGen allele CA354089077.